The following is an entry in ClinVar:

NM_004836.7(EIF2AK3):c.170C>G (p.Thr57Arg)

Gene: EIF2AK3 (eukaryotic translation initiation factor 2 alpha kinase 3; minus strand). Cytogenetic location: 2p11.2.
Variant type: single nucleotide variant.
Coding change: c.170C>G on transcript NM_004836.7 (MANE Select); coding-DNA position 170, C replaced by G.
Protein change: p.Thr57Arg; replaces threonine 57 with arginine.
Molecular consequence: missense variant.
Genome position (GRCh38, 1-based): chr2:88,627,105, G>C on the plus strand (C>G on the coding strand, the complement: EIF2AK3 is on the minus strand). VCF-style: chr2-88627105-G-C. GRCh37 (hg19) VCF-style: chr2-88926623-G-C.
Other names: short protein forms T57R.
Identifiers: ClinVar variation 1926156 (VCV001926156.2), dbSNP rs773937986, ClinGen allele CA347763342.

ClinVar aggregate classification (germline): Uncertain significance (1 of 4 stars; one submission).

gnomAD v4.1: 1 of 1,537,088 alleles (0.000065%); highest among the groups gnomAD compares: Admixed American, 0.0019%; no homozygotes.

Submission:

Labcorp Genetics (formerly Invitae), Labcorp
Classification: Uncertain significance. Last evaluated: 2022-07-03. Review status: criteria provided, single submitter. Criteria: Invitae Variant Classification Sherloc (09022015). Collection method: clinical testing. Allele origin: germline.
Comment: This sequence change replaces threonine, which is neutral and polar, with arginine, which is basic and polar, at codon 57 of the EIF2AK3 protein (p.Thr57Arg). This variant is present in population databases (no rsID available, gnomAD 0.004%). This variant has not been reported in the literature in individuals affected with EIF2AK3-related conditions. Algorithms developed to predict the effect of missense changes on protein structure and function are either unavailable or do not agree on the potential impact of this missense change (SIFT: "Tolerated"; PolyPhen-2: "Not Available"; Align-GVGD: "Class C0"). In summary, the available evidence is currently insufficient to determine the role of this variant in disease. Therefore, it has been classified as a Variant of Uncertain Significance.